The following is an entry in ClinVar:

ClinVar aggregate classification (germline): Uncertain significance. Review status: reviewed by expert panel (3 of 4 stars). 2 submissions from 2 submitters: Uncertain significance (1). 1 of the submissions does not count toward it. Last evaluated 2021-12-10.

Conditions:
Leigh syndrome (NULS). Also called: Leigh's syndrome; Leigh Disease; Subacute necrotizing encephalopathy; Necrotizing encephalopathy infantile subacute of Leigh; LEIGH SYNDROME, NUCLEAR; Leigh's necrotizing encephalopathy. Identifiers: Orphanet 506, MedGen C2931891, MONDO:0009723, OMIM 256000.
Mitochondrial disease. Also called: Mitochondrial disorder; Mitochondrial disorders. Identifiers: Orphanet 68380, MedGen C0751651, MeSH D028361, MONDO:0044970.

Submissions (2):

ClinGen Mitochondrial Disease Nuclear and Mitochondrial  Variant Curation Expert Panel, ClinGen
Classification: Uncertain significance for Mitochondrial disease. Last evaluated: 2021-12-10. Review status: reviewed by expert panel. Criteria: clingen mito disease acmg specifications v1-1. Collection method: curation. Allele origin: germline. Inheritance: Mitochondrial inheritance.
Comment: The m.15117T>C (p.M124T) variant in MT-CYB was reviewed by the Mitochondrial Disease Nuclear and Mitochondrial Variant Curation Expert Panel as part of the variant pilot for mitochondrial DNA variant specifications (McCormick et al., 2020; PMID: 32906214). There have been no affected individuals reported in the medical literature to our knowledge. There are no large families reported in the medical literature to consider for evidence of segregation. There is one occurrence in the GenBank sequences queried through MITOMAP on 6/29/2020 (1 individual from haplogroup T1a). In silico tools (APOGEE) predict this variant to be pathogenic with a score of 0.7 (PP3). There are no cybrid or single fiber studies reported on this variant. In summary, this variant meets criteria to be classified as uncertain significance for primary mitochondrial disease inherited in a mitochondrial manner. This classification was approved by the NICHD U24 Mitochondrial Disease Variant Curation Expert Panel as of August 20, 2020. Mitochondrial DNA-specific ACMG/AMP criteria applied: PP3.

Wong Mito Lab, Molecular and Human Genetics, Baylor College of Medicine
Classification: Uncertain significance for Leigh syndrome. Last evaluated: 2019-10-17. Review status: criteria provided, single submitter. Criteria: Modified ACMG Guidelines (Unpublished). Collection method: clinical testing. Allele origin: germline. Not counted in ClinVar's aggregate classification.
Comment: The NC_012920.1:m.15117T>C (YP_003024038.1:p.Met124Thr) variant in MTCYB gene is interpretated to be a Uncertain Significance variant based on the modified ACMG guidelines (unpublished). This variant meets the following evidence codes: PP4

NC_012920.1(MT-CYB):m.15117T>C

Gene: MT-CYB (mitochondrially encoded cytochrome b; plus strand).
Variant type: single nucleotide variant.
Genome position: chrM-15117-T-C.
Identifiers: ClinVar variation 693828 (VCV000693828.2), dbSNP rs1603225092, ClinGen allele CA913172991.